The following is an entry in ClinVar:

NM_004187.5(KDM5C):c.2209C>G (p.Leu737Val)

Gene: KDM5C (lysine demethylase 5C; minus strand). Cytogenetic location: Xp11.22.
Variant type: single nucleotide variant.
Coding change: c.2209C>G on transcript NM_004187.5 (MANE Select); coding-DNA position 2209, C replaced by G.
Protein change: p.Leu737Val; replaces leucine 737 with valine.
Molecular consequence: missense variant. On other transcripts: non-coding transcript variant (3).
Genome position (GRCh38, 1-based): chrX:53,199,011, G>C on the plus strand (C>G on the coding strand, the complement: KDM5C is on the minus strand). VCF-style: chrX-53199011-G-C. GRCh37 (hg19) VCF-style: chrX-53228193-G-C.
Other names: c.2209C>G, p.Leu737Val (NM_001353981.2, NM_001353984.2, NM_001353978.3); c.2206C>G, p.Leu736Val (NM_001353982.2, NM_001282622.3, NM_001353979.2); c.2008C>G, p.Leu670Val (NM_001146702.2); short protein forms L670V, L736V, L737V.
Identifiers: ClinVar variation 3068573 (VCV003068573.1), dbSNP rs2519418826, ClinGen allele CA413119738.
Genomic context (GRCh38, chrX:53,199,011, plus strand): 5'-CTTCCTCCAGAAAGGCCCATGCTCACCGCAGGTACTGCCGGCTACTGGAGCACTTGCAGA[G>C]ATCATTGATGTGGGAAAGGCAGACAAGGCCGTCTGGGCAGTCGTAGCAGGCCAGGGCTGA-3'
Protein context (NP_004178.2, residues 727-747): GLVCLSHIND[Leu737Val]CKCSSSRQYL

ClinVar aggregate classification (germline): Uncertain significance (1 of 4 stars; one submission).

Conditions:
Intellectual developmental disorder, X-linked, syndromic, Claes-Jensen type. Also called: INTELLECTUAL DEVELOPMENTAL DISORDER, X-LINKED, SYNDROMIC 16; MENTAL RETARDATION, X-LINKED, SYNDROMIC 16; Syndromic X-linked intellectual disability Claes-Jensen type. Identifiers: Orphanet 85279, MedGen C1845243, MONDO:0010355, OMIM 300534.

Submission:

Molecular Genetics, Royal Melbourne Hospital
Classification: Uncertain significance for Intellectual developmental disorder, X-linked, syndromic, Claes-Jensen type. Last evaluated: 2023-03-30. Review status: criteria provided, single submitter. Criteria: ACMG Guidelines, 2015. Collection method: clinical testing. Allele origin: germline.
Comment: This sequence change in KDM5C is predicted to replace leucine with valine at codon 737, p.(Leu737Val). The leucine residue is highly conserved (100 vertebrates, UCSC), and is located in the C5HC2 zinc finger domain. There is a small physicochemical difference between leucine and valine. KDM5C, in which the variant was identified, is a gene that is significantly intolerant to missense variation and where pathogenic missense variants are a common mechanism of disease (gnomAD v2.1). This variant is absent from gnomAD v2.1 and v3.1. To our knowledge, this variant has not been reported in the literature in any individuals with KDM5C-related conditions. Multiple lines of computational evidence predict a deleterious effect for the missense substitution (6/6 algorithms). Based on the classification scheme RMH Modified ACMG Guidelines v1.4.0, this variant is classified as a VARIANT OF UNCERTAIN SIGNIFICANCE. Following criteria are met: PM2_Supporting, PP2, PP3.